The following is an entry in ClinVar:

NM_001035.3(RYR2):c.9733T>C (p.Tyr3245His)

Gene: RYR2 (ryanodine receptor 2; plus strand). Cytogenetic location: 1q43.
Variant type: single nucleotide variant.
Coding change: c.9733T>C on transcript NM_001035.3 (MANE Select); coding-DNA position 9733, T replaced by C.
Protein change: p.Tyr3245His; replaces tyrosine 3245 with histidine.
Molecular consequence: missense variant.
Genome position (GRCh38, 1-based): chr1:237,707,101, T>C. VCF-style: chr1-237707101-T-C. GRCh37 (hg19) VCF-style: chr1-237870401-T-C.
Other names: c.9733T>C (NM_001035.2); short protein forms Y3245H.
Identifiers: ClinVar variation 3385820 (VCV003385820.2).
Genomic context (GRCh38, chr1:237,707,101, plus strand): 5'-GGCATTCGCTACACTCAAATGCCACATGTCATGGAAGTCATACTGCCCATGCTTTGCAGC[T>C]ACATGTCTCGTTGGTGGGAGCATGGACCTGAGAACAATCCAGAACGGGCCGAGATGTGCT-3'
Protein context (NP_001026.2, residues 3235-3255): MEVILPMLCS[Tyr3245His]MSRWWEHGPE

ClinVar aggregate classification (germline): Uncertain significance. Review status: criteria provided, multiple submitters, no conflicts (2 of 4 stars). 2 submissions from 2 submitters: Uncertain significance (2). Last evaluated 2024-08-09.

Conditions:
Catecholaminergic polymorphic ventricular tachycardia (CVPT). Also called: Catecholamine-induced polymorphic ventricular tachycardia. Identifiers: Orphanet 3286, MedGen C5574922, MONDO:0017990.
Cardiovascular phenotype. Identifiers: MedGen CN230736.

gnomAD v4.1: 1 of 1,613,924 alleles (0.000062%); highest among the groups gnomAD compares: African/African-American, 0.0013%; no homozygotes.

Submissions (2):

Ambry Genetics
Classification: Uncertain significance for Cardiovascular phenotype. Last evaluated: 2024-08-09. Review status: criteria provided, single submitter. Criteria: Ambry Variant Classification Scheme 2023. Collection method: clinical testing. Allele origin: germline.
Comment: The p.Y3245H variant (also known as c.9733T>C), located in coding exon 68 of the RYR2 gene, results from a T to C substitution at nucleotide position 9733. The tyrosine at codon 3245 is replaced by histidine, an amino acid with similar properties. This amino acid position is highly conserved in available vertebrate species. In addition, this alteration is predicted to be deleterious by in silico analysis. Based on the available evidence, the clinical significance of this variant remains unclear.

All of Us Research Program, National Institutes of Health
Classification: Uncertain significance for Catecholaminergic polymorphic ventricular tachycardia. Last evaluated: 2024-04-25. Review status: criteria provided, single submitter. Criteria: ACMG Guidelines, 2015. Collection method: clinical testing. Allele origin: germline. Inheritance: Autosomal dominant inheritance. Observed: 1 variant allele, 1 heterozygote.
Comment: This missense variant replaces tyrosine with histidine at codon 3245 of the RYR2 protein. Computational prediction suggests that this variant may have deleterious impact on protein structure and function (internally defined REVEL score threshold >= 0.7, PMID: 27666373). To our knowledge, functional studies have not been reported for this variant. This variant has not been reported in individuals affected with RYR2-related disorders in the literature. This variant has not been identified in the general population by the Genome Aggregation Database (gnomAD). The available evidence is insufficient to determine the role of this variant in disease conclusively. Therefore, this variant is classified as a Variant of Uncertain Significance.

This study involves interpretation of variants in research participants for the purpose of population health screening. Participant phenotype was not available at the time of variant classification. Additional details can be found in publication PMID: 35346344, PMCID: PMC8962531